The following is an entry in ClinVar:

ClinVar aggregate classification (germline): Uncertain significance. Review status: criteria provided, multiple submitters, no conflicts (2 of 4 stars). 2 submissions from 2 submitters: Uncertain significance (2). Last evaluated 2025-11-24.

Conditions:
Inborn genetic diseases. Identifiers: MedGen C0950123, MeSH D030342.

Allele frequency attached by ClinVar (database versions not stated): ExAC 0.00002; gnomAD exomes 0.00002 and 0.00003; gnomAD 0.00009 and 0.00011; 1000 Genomes Project 30x 0.00016; 1000 Genomes Project 0.00020; TOPMed 0.00021.
gnomAD v4.1: 28 of 1,614,048 alleles (0.0017%); highest among the groups gnomAD compares: Admixed American, 0.035%; 1 homozygote.

Submissions (2):

Ambry Genetics
Classification: Uncertain significance for Inborn genetic diseases. Last evaluated: 2025-11-24. Review status: criteria provided, single submitter. Criteria: Ambry Variant Classification Scheme 2023. Collection method: clinical testing. Allele origin: germline.

Labcorp Genetics (formerly Invitae), Labcorp
Classification: Uncertain significance. Last evaluated: 2025-10-12. Review status: criteria provided, single submitter. Criteria: Invitae Variant Classification Sherloc (09022015). Collection method: clinical testing. Allele origin: germline.
Comment: This sequence change replaces proline, which is neutral and non-polar, with leucine, which is neutral and non-polar, at codon 74 of the CASQ1 protein (p.Pro74Leu). This variant is present in population databases (rs545910107, gnomAD 0.006%). This variant has not been reported in the literature in individuals affected with CASQ1-related conditions. ClinVar contains an entry for this variant (Variation ID: 1354926). Invitae Evidence Modeling of protein sequence and biophysical properties (such as structural, functional, and spatial information, amino acid conservation, physicochemical variation, residue mobility, and thermodynamic stability) indicates that this missense variant is not expected to disrupt CASQ1 protein function with a negative predictive value of 80%. In summary, the available evidence is currently insufficient to determine the role of this variant in disease. Therefore, it has been classified as a Variant of Uncertain Significance.

NM_001231.5(CASQ1):c.221C>T (p.Pro74Leu)

Gene: CASQ1 (calsequestrin 1; plus strand). Cytogenetic location: 1q23.2.
Variant type: single nucleotide variant.
Coding change: c.221C>T on transcript NM_001231.5 (MANE Select); coding-DNA position 221, C replaced by T.
Protein change: p.Pro74Leu; replaces proline 74 with leucine.
Molecular consequence: missense variant.
Genome position (GRCh38, 1-based): chr1:160,190,972, C>T. VCF-style: chr1-160190972-C-T. GRCh37 (hg19) VCF-style: chr1-160160762-C-T.
Other names: c.221C>T (NM_001231.4); short protein forms P74L.
Identifiers: ClinVar variation 1354926 (VCV001354926.9), dbSNP rs545910107, ClinGen allele CA1196094.
Genomic context (GRCh38, chr1:160,190,972, plus strand): 5'-CAAAGAACTACAAGAATGTGTTCAAGAAGTATGAGGTGCTGGCACTCCTCTACCATGAAC[C>T]CCCCGAGGATGACAAGGCCTCACAAAGACAATTTGAGATGGAGGAGCTGATCCTGGAGGT-3'
Protein context (NP_001222.3, residues 64-84): YEVLALLYHE[Pro74Leu]PEDDKASQRQ